The following is an entry in ClinVar:

NM_000548.5(TSC2):c.501_508del (p.Trp167fs)

Gene: TSC2 (TSC complex subunit 2; plus strand). Cytogenetic location: 16p13.3.
Variant type: Deletion.
Coding change: c.501_508del on transcript NM_000548.5 (MANE Select); coding-DNA positions 501 to 508, 8 bases deleted (GATGGATG; older notation c.501_508delGATGGATG).
Protein change: p.Trp167fs; shifts the reading frame from tryptophan 167.
Molecular consequence: frameshift variant. On other transcripts: intron variant (1).
Genome position (GRCh38, 1-based): chr16:2,055,421-2,055,428, GATGGATG deleted; deleting any 8 consecutive bases within chr16:2,055,419-2,055,428 gives the same sequence; the c. name uses the placement nearest the transcript's 3' end. VCF-style (leftmost placement, unchanged base first): chr16-2055418-GTGGATGGA-G. GRCh37 (hg19) VCF-style: chr16-2105419-GTGGATGGA-G.
Other names: c.-1-775_-1-768del (NM_001318831.2); c.501_508del, p.Trp167fs (NM_001077183.3, NM_001114382.3, NM_001363528.2 and 3 more transcripts); c.390_397del, p.Trp130fs (NM_001318827.2); c.354_361del, p.Trp118fs (NM_001318829.2); c.534_541del, p.Trp178fs (NM_001318832.2); c.501_508delGATGGATG, p.Trp167Cysfs (NM_001406663.1, NM_001406664.1, NM_001406665.1 and 2 more transcripts); c.591_598delGATGGATG, p.Trp197Cysfs (NM_001406667.1, NM_001406668.1); c.390_397delGATGGATG, p.Trp130Cysfs (NM_001406670.1, NM_001406678.1); and 9 more; short protein forms W118fs, W178fs, W130fs, W167fs.
Identifiers: ClinVar variation 2019374 (VCV002019374.4), dbSNP rs2548433432, ClinGen allele CA2580090673.

ClinVar aggregate classification (germline): Pathogenic (1 of 4 stars; one submission).

Conditions:
Tuberous sclerosis 2 (TSC2). Identifiers: Orphanet 805, MedGen C1860707, MONDO:0013199, OMIM 613254.

Submission:

Labcorp Genetics (formerly Invitae), Labcorp
Classification: Pathogenic for Tuberous sclerosis 2. Last evaluated: 2022-07-23. Review status: criteria provided, single submitter. Criteria: Invitae Variant Classification Sherloc (09022015). Collection method: clinical testing. Allele origin: germline.
Comment: Algorithms developed to predict the effect of sequence changes on RNA splicing suggest that this variant may disrupt the consensus splice site. This variant has not been reported in the literature in individuals affected with TSC2-related conditions. This variant is not present in population databases (gnomAD no frequency). This sequence change creates a premature translational stop signal (p.Trp167Cysfs*19) in the TSC2 gene. It is expected to result in an absent or disrupted protein product. Loss-of-function variants in TSC2 are known to be pathogenic (PMID: 10205261, 17304050). For these reasons, this variant has been classified as Pathogenic.

Literature cited by the submitters: PubMed 10205261; PubMed 17304050.